The following is an entry in ClinVar:

ClinVar aggregate classification (germline): Uncertain significance (1 of 4 stars; one submission).

Conditions:
PHIP-related disorder. Also called: PHIP-related condition; PHIP-related disorders.

Submission:

PreventionGenetics, part of Exact Sciences
Classification: Uncertain significance for PHIP-related condition. Last evaluated: 2026-04-08. Review status: criteria provided, single submitter. Criteria: ACMG Guidelines, 2015. Collection method: clinical testing. Allele origin: germline.
Comment: The PHIP c.2953A>G variant is predicted to result in the amino acid substitution p.Ser985Gly. To our knowledge, this variant has not been reported in the literature or in a large population database (gnomAD), indicating this variant is rare. At this time, the clinical significance of this variant is uncertain due to the absence of conclusive functional and genetic evidence.

NM_017934.7(PHIP):c.2953A>G (p.Ser985Gly)

Genes: IRAK1BP1 (interleukin 1 receptor associated kinase 1 binding protein 1; plus strand), PHIP (PHIP subunit of CUL4-Ring ligase complex; minus strand). Cytogenetic location: 6q14.1.
Variant type: single nucleotide variant.
Coding change: c.2953A>G on transcript NM_017934.7 (MANE Select); coding-DNA position 2953, A replaced by G.
Protein change: p.Ser985Gly; replaces serine 985 with glycine.
Molecular consequence: missense variant.
Genome position (GRCh38, 1-based): chr6:78,970,825, T>C on the plus strand (A>G on the coding strand, the complement: PHIP is on the minus strand). VCF-style: chr6-78970825-T-C. GRCh37 (hg19) VCF-style: chr6-79680542-T-C.
Other names: short protein forms S985G.
Identifiers: ClinVar variation 4991039 (VCV004991039.1).